The following is an entry in ClinVar:

NM_000245.4(MET):c.2265-10G>T

Gene: MET (MET proto-oncogene, receptor tyrosine kinase; plus strand). Cytogenetic location: 7q31.2.
Variant type: single nucleotide variant.
Coding change: c.2265-10G>T on transcript NM_000245.4 (MANE Select); 10 bases into the intron before coding-DNA position 2265, G replaced by T.
Molecular consequence: intron variant. On other transcripts: missense variant (1).
Genome position (GRCh38, 1-based): chr7:116,759,381, G>T. VCF-style: chr7-116759381-G-T. GRCh37 (hg19) VCF-style: chr7-116399435-G-T.
Other names: c.2309G>T, p.Cys770Phe (NM_001127500.3); c.975-10G>T (NM_001324402.2); c.2265-10G>T (NM_001324401.3); short protein forms C770F.
Identifiers: ClinVar variation 971384 (VCV000971384.13), dbSNP rs1355716761, ClinGen allele CA368981835.
Genomic context (GRCh38, chr7:116,759,381, plus strand): 5'-AATCCCTCTCTTACAGTACTTGGTGGAAAGAACCTCTCAACATTGTCAGTTTTCTATTTT[G>T]CTTTGCCAGTGGTGGGAGCACAATAACAGGTGTTGGGAAAAACCTGAATTCAGTTAGTGT-3'

ClinVar aggregate classification (germline): Conflicting classifications of pathogenicity. Review status: criteria provided, conflicting classifications (1 of 4 stars). 4 submissions from 4 submitters: Uncertain significance (3); Likely benign (1). Last evaluated 2024-12-17.

Conditions:
Hereditary cancer-predisposing syndrome. Also called: Neoplastic Syndromes, Hereditary; Hereditary Cancer Syndrome; Tumor predisposition; Hereditary neoplastic syndrome. Identifiers: Orphanet 140162, MedGen C0027672, MeSH D009386, MONDO:0015356.
Renal cell carcinoma. Identifiers: Orphanet 217071, MedGen C0007134, MeSH D002292, MONDO:0005086, HP:0005584.
Papillary renal cell carcinoma type 1 (RCCP1). Also called: RENAL CELL CARCINOMA, PAPILLARY, 1, SOMATIC; Renal adenocarcinoma; Renal cell carcinoma 1; Renal cell carcinoma, somatic. Identifiers: Orphanet 47044, MedGen C1336839, OMIM 605074, HP:0011797.

Submissions (4):

GeneDx
Classification: Uncertain significance. Last evaluated: 2024-12-17. Review status: criteria provided, single submitter. Criteria: GeneDx Variant Classification Process June 2021. Collection method: clinical testing. Allele origin: germline. Affected: yes.
Comment: In silico analysis suggests this variant may impact gene splicing. In the absence of RNA/functional studies, the actual effect of this sequence change is unknown.; In silico analysis indicates that this missense variant does not alter protein structure/function; Not observed at significant frequency in large population cohorts (gnomAD); Has not been previously published as pathogenic or benign to our knowledge

Myriad Genetics, Inc.
Classification: Likely benign for Papillary renal cell carcinoma type 1. Last evaluated: 2024-11-11. Review status: criteria provided, single submitter. Criteria: Myriad Autosomal Dominant, Autosomal Recessive and X-Linked Classification Criteria (2023). Collection method: clinical testing. Allele origin: unknown.
Comment: This variant is considered likely benign. This variant is intronic and is not expected to impact mRNA splicing.

Ambry Genetics
Classification: Uncertain significance for Hereditary cancer-predisposing syndrome. Last evaluated: 2023-03-06. Review status: criteria provided, single submitter. Criteria: Ambry Variant Classification Scheme 2023. Collection method: clinical testing. Allele origin: germline.
Comment: The p.C770F variant (also known as c.2309G>T), located in coding exon 9 of the MET gene, results from a G to T substitution at nucleotide position 2309. The cysteine at codon 770 is replaced by phenylalanine, an amino acid with highly dissimilar properties. This amino acid position is conserved. In addition, this alteration is predicted to be tolerated by in silico analysis. Since supporting evidence is limited at this time, the clinical significance of this alteration remains unclear.

Labcorp Genetics (formerly Invitae), Labcorp
Classification: Uncertain significance for Renal cell carcinoma. Last evaluated: 2021-08-02. Review status: criteria provided, single submitter. Criteria: Invitae Variant Classification Sherloc (09022015). Collection method: clinical testing. Allele origin: germline.
Comment: This variant has not been reported in the literature in individuals with MET-related conditions. This variant is not present in population databases (ExAC no frequency). This sequence change replaces cysteine with phenylalanine at codon 770 of the MET protein (p.Cys770Phe). The cysteine residue is weakly conserved and there is a large physicochemical difference between cysteine and phenylalanine. In summary, the available evidence is currently insufficient to determine the role of this variant in disease. Therefore, it has been classified as a Variant of Uncertain Significance. Algorithms developed to predict the effect of missense changes on protein structure and function output the following: SIFT: "Deleterious"; PolyPhen-2: "Benign"; Align-GVGD: "Class C0". The phenylalanine amino acid residue is found in multiple mammalian species, suggesting that this missense change does not adversely affect protein function. These predictions have not been confirmed by published functional studies and their clinical significance is uncertain.